The following is an entry in ClinVar:

NM_000138.5(FBN1):c.2961del (p.Trp988fs)

Gene: FBN1 (fibrillin 1; minus strand). Cytogenetic location: 15q21.1.
Variant type: Deletion.
Coding change: c.2961del on transcript NM_000138.5 (MANE Select); coding-DNA position 2961, one base deleted (C; older notation c.2961delC).
Protein change: p.Trp988fs; shifts the reading frame from tryptophan 988.
Molecular consequence: frameshift variant.
Genome position (GRCh38, 1-based): chr15:48,489,972, G deleted on the plus strand (C on the coding strand, the reverse complement: FBN1 is on the minus strand); the first of 2 consecutive G bases (chr15:48,489,972-48,489,973); deleting either gives the same sequence. VCF-style (leftmost placement, unchanged base first): chr15-48489971-AG-A. GRCh37 (hg19) VCF-style: chr15-48782168-AG-A.
Other names: c.2961delC (NM_000138.4); c.2961del, p.Trp988fs (NM_001406716.1); short protein forms W988fs.
Identifiers: ClinVar variation 3068738 (VCV003068738.2).

ClinVar aggregate classification (germline): Pathogenic (0 of 4 stars; one submission).

Conditions:
Marfan syndrome (MFS). Also called: MARFAN SYNDROME, TYPE I; Marfan syndrome type 1; Marfan's syndrome; Marfan syndrome, classic; FBN1-Related Marfan Syndrome. Identifiers: Orphanet 284963, Orphanet 558, MedGen C0024796, MONDO:0007947, OMIM 154700.

Submission:

Healthincode, Healthincode group
Classification: Pathogenic for Marfan syndrome. Last evaluated: 2023-09-06. Review status: no assertion criteria provided. Collection method: clinical testing. Allele origin: de novo. Inheritance: Sporadic. Affected: yes. Observed: 1 heterozygote.
Comment: The variant c.2961delC; p.Trp988Glyfs*11 in FBN1gene was considered pathogenic according to the following ACMG criteria: PM2_moderate (absent from controls), PVS1_very strong (null variant in a gene where LoF is a known mechanism of disease) and PS2_Supporting (de novo).